The following is an entry in ClinVar:

ClinVar aggregate classification (germline): Uncertain significance (1 of 4 stars; one submission).

Allele frequency attached by ClinVar (database versions not stated): gnomAD 0.00001.

Submission:

Labcorp Genetics (formerly Invitae), Labcorp
Classification: Uncertain significance. Last evaluated: 2022-10-13. Review status: criteria provided, single submitter. Criteria: Invitae Variant Classification Sherloc (09022015). Collection method: clinical testing. Allele origin: germline.
Comment: This sequence change replaces aspartic acid, which is acidic and polar, with histidine, which is basic and polar, at codon 149 of the LIPT2 protein (p.Asp149His). This variant is not present in population databases (gnomAD no frequency). This variant has not been reported in the literature in individuals affected with LIPT2-related conditions. Algorithms developed to predict the effect of missense changes on protein structure and function are either unavailable or do not agree on the potential impact of this missense change (SIFT: "Not Available"; PolyPhen-2: "Possibly Damaging"; Align-GVGD: "Not Available"). In summary, the available evidence is currently insufficient to determine the role of this variant in disease. Therefore, it has been classified as a Variant of Uncertain Significance.

NM_001144869.3(LIPT2):c.445G>C (p.Asp149His)

Gene: LIPT2 (lipoyl(octanoyl) transferase 2; minus strand). Cytogenetic location: 11q13.4.
Variant type: single nucleotide variant.
Coding change: c.445G>C on transcript NM_001144869.3 (MANE Select); coding-DNA position 445, G replaced by C.
Protein change: p.Asp149His; replaces aspartic acid 149 with histidine.
Molecular consequence: missense variant. On other transcripts: intron variant (1).
Genome position (GRCh38, 1-based): chr11:74,493,259, C>G on the plus strand (G>C on the coding strand, the complement: LIPT2 is on the minus strand). VCF-style: chr11-74493259-C-G. GRCh37 (hg19) VCF-style: chr11-74204304-C-G.
Other names: c.445G>C, p.Asp149His (NM_001329941.2); c.237+208G>C (NM_001329942.2); short protein forms D149H.
Identifiers: ClinVar variation 1940508 (VCV001940508.2), dbSNP rs1324687461, ClinGen allele CA381976383.